The following is an entry in ClinVar:

ClinVar aggregate classification (germline): Uncertain significance (1 of 4 stars; one submission).

Submission:

GeneDx
Classification: Uncertain significance. Last evaluated: 2025-05-21. Review status: criteria provided, single submitter. Criteria: GeneDx Variant Classification Process June 2021. Collection method: clinical testing. Allele origin: germline.
Comment: Not observed at significant frequency in large population cohorts (gnomAD); Missense variants in this gene are often considered pathogenic (HGMD); In silico analysis supports that this missense variant has a deleterious effect on protein structure/function; Has not been previously published as pathogenic or benign to our knowledge; This variant is associated with the following publications: (PMID: 26432019)

NM_003334.4(UBA1):c.2687C>T (p.Thr896Met)

Gene: UBA1 (ubiquitin like modifier activating enzyme 1; plus strand). Cytogenetic location: Xp11.3.
Variant type: single nucleotide variant.
Coding change: c.2687C>T on transcript NM_003334.4 (MANE Select); coding-DNA position 2687, C replaced by T.
Protein change: p.Thr896Met; replaces threonine 896 with methionine.
Molecular consequence: missense variant.
Genome position (GRCh38, 1-based): chrX:47,213,030, C>T. VCF-style: chrX-47213030-C-T. GRCh37 (hg19) VCF-style: chrX-47072429-C-T.
Other names: c.2687C>T, p.Thr896Met (NM_153280.3); short protein forms T896M.
Identifiers: ClinVar variation 2499902 (VCV002499902.2), dbSNP rs2521661801, ClinGen allele CA412810629.
Genomic context (GRCh38, chrX:47,213,030, plus strand): 5'-TTGTCCCTTCTGTCTCTCAGAGCAAGCTGATTGCAGGGAAGATCATCCCAGCCATTGCCA[C>T]GACCACAGCAGCCGTGGTTGGCCTTGTGTGTCTGGAGCTGTACAAGGTTGTGCAGGGGCA-3'
Protein context (NP_003325.2, residues 886-906): IAGKIIPAIA[Thr896Met]TTAAVVGLVC